The following is an entry in ClinVar:

ClinVar aggregate classification (germline): Uncertain significance (1 of 4 stars; one submission).

Submission:

Labcorp Genetics (formerly Invitae), Labcorp
Classification: Uncertain significance. Last evaluated: 2022-05-27. Review status: criteria provided, single submitter. Criteria: Invitae Variant Classification Sherloc (09022015). Collection method: clinical testing. Allele origin: germline.
Comment: This sequence change replaces glycine, which is neutral and non-polar, with alanine, which is neutral and non-polar, at codon 78 of the NR2F1 protein (p.Gly78Ala). This variant is not present in population databases (gnomAD no frequency). This variant has not been reported in the literature in individuals affected with NR2F1-related conditions. Algorithms developed to predict the effect of missense changes on protein structure and function are either unavailable or do not agree on the potential impact of this missense change (SIFT: "Deleterious"; PolyPhen-2: "Benign"; Align-GVGD: "Class C0"). In summary, the available evidence is currently insufficient to determine the role of this variant in disease. Therefore, it has been classified as a Variant of Uncertain Significance.

NM_005654.6(NR2F1):c.233G>C (p.Gly78Ala)

Genes: NR2F1 (nuclear receptor subfamily 2 group F member 1; plus strand), NR2F1-AS1 (NR2F1 regulatory antisense RNA 1; minus strand). Cytogenetic location: 5q15.
Variant type: single nucleotide variant.
Coding change: c.233G>C on transcript NM_005654.6 (MANE Select); coding-DNA position 233, G replaced by C.
Protein change: p.Gly78Ala; replaces glycine 78 with alanine.
Molecular consequence: missense variant.
Genome position (GRCh38, 1-based): chr5:93,585,256, G>C. VCF-style: chr5-93585256-G-C. GRCh37 (hg19) VCF-style: chr5-92920962-G-C.
Other names: short protein forms G78A.
Identifiers: ClinVar variation 2048401 (VCV002048401.4), dbSNP rs1343326979, ClinGen allele CA360525805.